The following is an entry in ClinVar:

NM_001563.4(IMPG1):c.1328C>T (p.Ser443Phe)

Gene: IMPG1 (interphotoreceptor matrix proteoglycan 1; minus strand). Cytogenetic location: 6q14.1.
Variant type: single nucleotide variant.
Coding change: c.1328C>T on transcript NM_001563.4 (MANE Select); coding-DNA position 1328, C replaced by T.
Protein change: p.Ser443Phe; replaces serine 443 with phenylalanine.
Molecular consequence: missense variant.
Genome position (GRCh38, 1-based): chr6:75,951,058, G>A on the plus strand (C>T on the coding strand, the complement: IMPG1 is on the minus strand). VCF-style: chr6-75951058-G-A. GRCh37 (hg19) VCF-style: chr6-76660775-G-A.
Other names: c.1094C>T, p.Ser365Phe (NM_001282368.2); short protein forms S443F, S365F.
Identifiers: ClinVar variation 1356096 (VCV001356096.8), dbSNP rs2149457739, ClinGen allele CA364778198.

ClinVar aggregate classification (germline): Uncertain significance (1 of 4 stars; one submission).

Submission:

Labcorp Genetics (formerly Invitae), Labcorp
Classification: Uncertain significance. Last evaluated: 2025-12-26. Review status: criteria provided, single submitter. Criteria: Invitae Variant Classification Sherloc (09022015). Collection method: clinical testing. Allele origin: germline.
Comment: This sequence change replaces serine, which is neutral and polar, with phenylalanine, which is neutral and non-polar, at codon 443 of the IMPG1 protein (p.Ser443Phe). This variant is not present in population databases (gnomAD no frequency). This variant has not been reported in the literature in individuals affected with IMPG1-related conditions. ClinVar contains an entry for this variant (Variation ID: 1356096). An algorithm developed to predict the effect of missense changes on protein structure and function outputs the following: PolyPhen-2: "Benign". The phenylalanine amino acid residue is found in multiple mammalian species, which suggests that this missense change does not adversely affect protein function. In summary, the available evidence is currently insufficient to determine the role of this variant in disease. Therefore, it has been classified as a Variant of Uncertain Significance.